The following is an entry in ClinVar:

NM_006147.4(IRF6):c.645del (p.Glu215fs)

Gene: IRF6 (interferon regulatory factor 6; minus strand). Cytogenetic location: 1q32.2.
Variant type: Deletion.
Coding change: c.645del on transcript NM_006147.4 (MANE Select); coding-DNA position 645, one base deleted (A; older notation c.645delA).
Protein change: p.Glu215fs; shifts the reading frame from glutamic acid 215.
Molecular consequence: frameshift variant.
Genome position (GRCh38, 1-based): chr1:209,792,291, T deleted on the plus strand (A on the coding strand, the reverse complement: IRF6 is on the minus strand); the first of 2 consecutive T bases (chr1:209,792,291-209,792,292); deleting either gives the same sequence. VCF-style (leftmost placement, unchanged base first): chr1-209792290-GT-G. GRCh37 (hg19) VCF-style: chr1-209965635-GT-G.
Other names: c.360del, p.Glu120fs (NM_001206696.2); short protein forms E120fs, E215fs.
Identifiers: ClinVar variation 4852227 (VCV004852227.1).
Genomic context (GRCh38, chr1:209,792,290, plus strand): 5'-AAGCAGAAGACCGAGCAAGAAAGATAAAGTCTCACTTACTTGGGAGAGAGCTGATCCACA[GT>G]TCTGGAGAGCTATAGAAGGGCTGTATAGGTGCCTGGGGTACTTCCATCTCCAGGGGTTCA-3'

ClinVar aggregate classification (germline): Likely pathogenic (1 of 4 stars; one submission).

Conditions:
Van der Woude syndrome 1. Also called: CLEFT LIP AND/OR PALATE WITH MUCOUS CYSTS OF LOWER LIP; van der Woude Syndrome (VWS). Identifiers: MedGen C4551864, MONDO:0007333, OMIM 119300.

Submission:

Variantyx, Inc.
Classification: Likely pathogenic for Van der Woude syndrome 1. Last evaluated: 2025-11-28. Review status: criteria provided, single submitter. Criteria: Variantyx Assertion Criteria 2022. Collection method: clinical testing. Allele origin: germline. Inheritance: Autosomal dominant inheritance. Affected: yes.
Comment: This is a frameshift variant in the IRF6 gene (OMIM: 607199). Pathogenic variants in this gene have been associated with autosomal dominant van der Woude syndrome 1. This variant introduces a premature termination codon in exon 6 out of 9 and it is expected to result in loss of function, which is a known disease mechanism for IRF6 in this disorder (PMID: 23949966, 20301581) (PVS1). The clinical symptoms reported for this individual are highly specific for autosomal dominant van der Woude syndrome 1, which has a limited genetic etiology (PP4). This variant is absent from control populations (PM2_Supporting, and it has not been reported in individuals with IRF6-related disorders in the databases available for review. Based on the current evidence, this variant is classified as pathogenic for autosomal dominant van der Woude syndrome 1.

Literature cited by the submitters: PubMed 23949966; PubMed 20301581.